The following is an entry in ClinVar:

ClinVar aggregate classification (germline): Uncertain significance. Review status: criteria provided, multiple submitters, no conflicts (2 of 4 stars). 3 submissions from 3 submitters: Uncertain significance (2). 1 of the submissions does not count toward it. Last evaluated 2025-10-15.

Conditions:
Hereditary breast ovarian cancer syndrome. Also called: Hereditary breast and ovarian cancer syndrome; Hereditary breast and ovarian cancer; Hereditary breast and ovarian cancer syndrome (HBOC); Breast and ovarian cancer; Hereditary breast and/or ovarian cancer syndrome; BRCA1- and BRCA2-Associated Hereditary Breast and Ovarian Cancer. Identifiers: Orphanet 145, MedGen C0677776, MeSH D061325, MONDO:0003582. Disease mechanism: loss of function.
Hereditary cancer-predisposing syndrome. Also called: Neoplastic Syndromes, Hereditary; Tumor predisposition; Hereditary neoplastic syndrome; Hereditary Cancer Syndrome. Identifiers: Orphanet 140162, MedGen C0027672, MeSH D009386, MONDO:0015356.
Breast-ovarian cancer, familial, susceptibility to, 2 (BROVCA2). Also called: BRCA2 Hereditary Breast and Ovarian Cancer. Identifiers: Orphanet 145, MedGen C2675520, MONDO:0012933, OMIM 612555. Disease mechanism: loss of function.

Submissions (3):

Labcorp Genetics (formerly Invitae), Labcorp
Classification: Uncertain significance for Hereditary breast ovarian cancer syndrome. Last evaluated: 2025-10-15. Review status: criteria provided, single submitter. Criteria: Invitae Variant Classification Sherloc (09022015). Collection method: clinical testing. Allele origin: germline.
Comment: This sequence change replaces glutamic acid, which is acidic and polar, with aspartic acid, which is acidic and polar, at codon 2369 of the BRCA2 protein (p.Glu2369Asp). This variant is not present in population databases (gnomAD no frequency). This variant has not been reported in the literature in individuals affected with BRCA2-related conditions. ClinVar contains an entry for this variant (Variation ID: 52268). Invitae Evidence Modeling of protein sequence and biophysical properties (such as structural, functional, and spatial information, amino acid conservation, physicochemical variation, residue mobility, and thermodynamic stability) indicates that this missense variant is not expected to disrupt BRCA2 protein function with a negative predictive value of 95%. In summary, the available evidence is currently insufficient to determine the role of this variant in disease. Therefore, it has been classified as a Variant of Uncertain Significance.

Ambry Genetics
Classification: Uncertain significance for Hereditary cancer-predisposing syndrome. Last evaluated: 2023-12-05. Review status: criteria provided, single submitter. Criteria: Ambry Variant Classification Scheme 2023. Collection method: clinical testing. Allele origin: germline.
Comment: The p.E2369D variant (also known as c.7107A>C), located in coding exon 13 of the BRCA2 gene, results from an A to C substitution at nucleotide position 7107. The glutamic acid at codon 2369 is replaced by aspartic acid, an amino acid with highly similar properties. This amino acid position is not well conserved in available vertebrate species. In addition, the in silico prediction for this alteration is inconclusive. Since supporting evidence is limited at this time, the clinical significance of this alteration remains unclear.

Breast Cancer Information Core (BIC) (BRCA2)
Classification: Uncertain significance for Breast-ovarian cancer, familial 2. Last evaluated: 2002-05-29. Review status: no assertion criteria provided. Collection method: clinical testing. Allele origin: germline. Affected: yes. Observed: 1 variant allele. Not counted in ClinVar's aggregate classification.

NM_000059.4(BRCA2):c.7107A>C (p.Glu2369Asp)

Gene: BRCA2 (BRCA2 DNA repair associated; plus strand). Cytogenetic location: 13q13.1.
Variant type: single nucleotide variant.
Coding change: c.7107A>C on transcript NM_000059.4 (MANE Select); coding-DNA position 7107, A replaced by C.
Protein change: p.Glu2369Asp; replaces glutamic acid 2369 with aspartic acid.
Molecular consequence: missense variant.
Genome position (GRCh38, 1-based): chr13:32,354,960, A>C. VCF-style: chr13-32354960-A-C. GRCh37 (hg19) VCF-style: chr13-32929097-A-C.
Other names: short protein forms E2369D.
Identifiers: ClinVar variation 52268 (VCV000052268.4), dbSNP rs80358942, ClinGen allele CA024873.
Genomic context (GRCh38, chr13:32,354,960, plus strand): 5'-TACCGCACCTGGTCAAGAATTTCTGTCTAAATCTCATTTGTATGAACATCTGACTTTGGA[A>C]AAATCTTCAAGCAATTTAGCAGTTTCAGGACATCCATTTTATCAAGTTTCTGCTACAAGA-3'
Protein context (NP_000050.3, residues 2359-2379): KSHLYEHLTL[Glu2369Asp]KSSSNLAVSG